The following is an entry in ClinVar:

ClinVar aggregate classification (germline): Uncertain significance (1 of 4 stars; one submission).

Allele frequency attached by ClinVar (database versions not stated): gnomAD exomes below 0.00001; TOPMed 0.00001; gnomAD 0.00003.
gnomAD v4.1: 6 of 1,552,086 alleles (0.00039%); highest among the groups gnomAD compares: African/African-American, 0.0082%; no homozygotes.

Submission:

Labcorp Genetics (formerly Invitae), Labcorp
Classification: Uncertain significance. Last evaluated: 2022-03-17. Review status: criteria provided, single submitter. Criteria: Invitae Variant Classification Sherloc (09022015). Collection method: clinical testing. Allele origin: germline.
Comment: This sequence change replaces leucine, which is neutral and non-polar, with phenylalanine, which is neutral and non-polar, at codon 1852 of the UNC80 protein (p.Leu1852Phe). This variant is present in population databases (no rsID available, gnomAD 0.02%). This variant has not been reported in the literature in individuals affected with UNC80-related conditions. Algorithms developed to predict the effect of missense changes on protein structure and function are either unavailable or do not agree on the potential impact of this missense change (SIFT: "Not Available"; PolyPhen-2: "Probably Damaging"; Align-GVGD: "Not Available"). In summary, the available evidence is currently insufficient to determine the role of this variant in disease. Therefore, it has been classified as a Variant of Uncertain Significance.

NM_001371986.1(UNC80):c.5752C>T (p.Leu1918Phe)

Gene: UNC80 (unc-80 homolog, NALCN channel complex subunit; plus strand). Cytogenetic location: 2q34.
Variant type: single nucleotide variant.
Coding change: c.5752C>T on transcript NM_001371986.1 (MANE Select); coding-DNA position 5752, C replaced by T.
Protein change: p.Leu1918Phe; replaces leucine 1918 with phenylalanine.
Molecular consequence: missense variant.
Genome position (GRCh38, 1-based): chr2:209,926,932, C>T. VCF-style: chr2-209926932-C-T. GRCh37 (hg19) VCF-style: chr2-210791656-C-T.
Other names: c.5554C>T, p.Leu1852Phe (NM_032504.2); c.5539C>T, p.Leu1847Phe (NM_182587.4); short protein forms L1847F, L1852F, L1918F.
Identifiers: ClinVar variation 1962128 (VCV001962128.2), dbSNP rs1381128260, ClinGen allele CA350765496.